The following is an entry in ClinVar:

ClinVar aggregate classification (germline): Uncertain significance (1 of 4 stars; one submission).

Conditions:
Epileptic encephalopathy. Identifiers: MedGen C0543888, HP:0200134.

Allele frequency attached by ClinVar (database versions not stated): gnomAD exomes below 0.00001; ExAC 0.00001.
gnomAD v4.1: 5 of 1,613,660 alleles (0.00031%); highest among the groups gnomAD compares: Non-Finnish European, 0.00042%; no homozygotes.

Submission:

Labcorp Genetics (formerly Invitae), Labcorp
Classification: Uncertain significance for Epileptic encephalopathy. Last evaluated: 2018-04-27. Review status: criteria provided, single submitter. Criteria: Invitae Variant Classification Sherloc (09022015). Collection method: clinical testing. Allele origin: germline.
Comment: This sequence change replaces phenylalanine with leucine at codon 3680 of the RYR3 protein (p.Phe3680Leu). The phenylalanine residue is highly conserved and there is a small physicochemical difference between phenylalanine and leucine. This variant is present in population databases (rs779268463, ExAC 0.002%). This variant has not been reported in the literature in individuals with RYR3-related disease. Algorithms developed to predict the effect of missense changes on protein structure and function do not agree on the potential impact of this missense change (SIFT: "Deleterious"; PolyPhen-2: "Benign"; Align-GVGD: "Class C0"). In summary, the available evidence is currently insufficient to determine the role of this variant in disease. Therefore, it has been classified as a Variant of Uncertain Significance.

NM_001036.6(RYR3):c.11040T>G (p.Phe3680Leu)

Gene: RYR3 (ryanodine receptor 3; plus strand). Cytogenetic location: 15q14.
Variant type: single nucleotide variant.
Coding change: c.11040T>G on transcript NM_001036.6 (MANE Select); coding-DNA position 11040, T replaced by G.
Protein change: p.Phe3680Leu; replaces phenylalanine 3680 with leucine.
Molecular consequence: missense variant.
Genome position (GRCh38, 1-based): chr15:33,823,040, T>G. VCF-style: chr15-33823040-T-G. GRCh37 (hg19) VCF-style: chr15-34115241-T-G.
Other names: c.11025T>G, p.Phe3675Leu (NM_001243996.4); short protein forms F3680L, F3675L.
Identifiers: ClinVar variation 567728 (VCV000567728.8), dbSNP rs779268463, ClinGen allele CA7461095.
Genomic context (GRCh38, chr15:33,823,040, plus strand): 5'-CGTGTCTCCCTTGCAGAAAATGCTAGATTACCTAAAGGAGAAAAAGGATGCTGGATTCTT[T>G]CAAAGCCTTTCTGGTCTTATGCAGTCTTGCAGGTAAATGCGGGAAAACTACCATAGCATT-3'
Protein context (NP_001027.3, residues 3670-3690): YLKEKKDAGF[Phe3680Leu]QSLSGLMQSC